The following is an entry in ClinVar:

ClinVar aggregate classification (germline): Pathogenic (1 of 4 stars; one submission).

Conditions:
Hereditary cancer-predisposing syndrome. Also called: Tumor predisposition; Hereditary neoplastic syndrome; Neoplastic Syndromes, Hereditary; Hereditary Cancer Syndrome. Identifiers: Orphanet 140162, MedGen C0027672, MeSH D009386, MONDO:0015356.

Submission:

Ambry Genetics
Classification: Pathogenic for Hereditary cancer-predisposing syndrome. Last evaluated: 2024-05-24. Review status: criteria provided, single submitter. Criteria: Ambry Variant Classification Scheme 2023. Collection method: clinical testing. Allele origin: germline.
Comment: The c.1457delA pathogenic mutation, located in coding exon 9 of the BRCA2 gene, results from a deletion of one nucleotide at nucleotide position 1457, causing a translational frameshift with a predicted alternate stop codon (p.Q486Rfs*23). This variant is considered to be rare based on population cohorts in the Genome Aggregation Database (gnomAD). This alteration is expected to result in loss of function by premature protein truncation or nonsense-mediated mRNA decay. As such, this alteration is interpreted as a disease-causing mutation.

NM_000059.4(BRCA2):c.1457del (p.Gln486fs)

Gene: BRCA2 (BRCA2 DNA repair associated; plus strand). Cytogenetic location: 13q13.1.
Variant type: Deletion.
Coding change: c.1457del on transcript NM_000059.4 (MANE Select); coding-DNA position 1457, one base deleted (A; older notation c.1457delA).
Protein change: p.Gln486fs; shifts the reading frame from glutamine 486.
Molecular consequence: frameshift variant.
Genome position (GRCh38, 1-based): chr13:32,332,935, A deleted. VCF-style (leftmost placement, unchanged base first): chr13-32332934-CA-C. GRCh37 (hg19) VCF-style: chr13-32907071-CA-C.
Other names: short protein forms Q486fs.
Identifiers: ClinVar variation 819265 (VCV000819265.5), dbSNP rs1593892928, ClinGen allele CA915946960.
Genomic context (GRCh38, chr13:32,332,934, plus strand): 5'-AATAAGAGAGATGAAGAGCAGCATCTTGAATCTCATACAGACTGCATTCTTGCAGTAAAG[CA>C]GGCAATATCTGGAACTTCTCCAGTGGCTTCTTCATTTCAGGGTATCAAAAAGTCTATATT-3'